The following is an entry in ClinVar:

NM_020791.4(TAOK1):c.2179C>T (p.Gln727Ter)

Gene: TAOK1 (TAO kinase 1; plus strand). Cytogenetic location: 17q11.2.
Variant type: single nucleotide variant.
Coding change: c.2179C>T on transcript NM_020791.4 (MANE Select); coding-DNA position 2179, C replaced by T.
Protein change: p.Gln727Ter; replaces glutamine 727 with a stop codon.
Molecular consequence: nonsense.
Genome position (GRCh38, 1-based): chr17:29,530,437, C>T. VCF-style: chr17-29530437-C-T. GRCh37 (hg19) VCF-style: chr17-27857455-C-T.
Other names: c.1735C>T, p.Gln579Ter (NM_025142.1); short protein forms Q579*, Q727*.
Identifiers: ClinVar variation 1198812 (VCV001198812.3), dbSNP rs2150772051, ClinGen allele CA398913726.

ClinVar aggregate classification (germline): Conflicting classifications of pathogenicity. Review status: criteria provided, conflicting classifications (1 of 4 stars). 2 submissions from 2 submitters: Likely pathogenic (1); Uncertain significance (1). Last evaluated 2020-11-12.

Conditions:
Developmental delay with or without intellectual impairment or behavioral abnormalities. Identifiers: MedGen C5562004, MONDO:0859199, OMIM 619575.

Submissions (2):

GeneDx
Classification: Uncertain significance. Last evaluated: 2020-11-12. Review status: criteria provided, single submitter. Criteria: GeneDx Variant Classification Process June 2021. Collection method: clinical testing. Allele origin: germline. Affected: yes.
Comment: Not observed in large population cohorts (Lek et al., 2016); Nonsense variant predicted to result in protein truncation or nonsense mediated decay in a gene for which loss-of-function is not a known mechanism of disease; Has not been previously published as pathogenic or benign to our knowledge; Variants in candidate genes are classified as variants of uncertain significance in accordance with ACMG guidelines (Richards et al., 2015)

Clinical Genetics Service, Universitary Hospital 12 de Octubre
Classification: Likely pathogenic for Developmental delay with or without intellectual impairment or behavioral abnormalities. Review status: criteria provided, single submitter. Criteria: ACMG Guidelines, 2015. Collection method: clinical testing. Allele origin: paternal. Affected: yes.